The following is an entry in ClinVar:

NM_001408.3(CELSR2):c.4636A>G (p.Met1546Val)

Gene: CELSR2 (cadherin EGF LAG seven-pass G-type receptor 2; plus strand). Cytogenetic location: 1p13.3.
Variant type: single nucleotide variant.
Coding change: c.4636A>G on transcript NM_001408.3 (MANE Select); coding-DNA position 4636, A replaced by G.
Protein change: p.Met1546Val; replaces methionine 1546 with valine.
Molecular consequence: missense variant.
Genome position (GRCh38, 1-based): chr1:109,262,897, A>G. VCF-style: chr1-109262897-A-G. GRCh37 (hg19) VCF-style: chr1-109805519-A-G.
Other names: short protein forms M1546V.
Identifiers: ClinVar variation 3012864 (VCV003012864.3), dbSNP rs888176237, ClinGen allele CA341500110.

ClinVar aggregate classification (germline): Uncertain significance (1 of 4 stars; one submission).

Allele frequency attached by ClinVar (database versions not stated): gnomAD 0.00001; gnomAD exomes 0.00001.

Submission:

Labcorp Genetics (formerly Invitae), Labcorp
Classification: Uncertain significance. Last evaluated: 2023-07-12. Review status: criteria provided, single submitter. Criteria: Invitae Variant Classification Sherloc (09022015). Collection method: clinical testing. Allele origin: germline.
Comment: This sequence change replaces methionine, which is neutral and non-polar, with valine, which is neutral and non-polar, at codon 1546 of the CELSR2 protein (p.Met1546Val). This variant is present in population databases (no rsID available, gnomAD 0.01%). This variant has not been reported in the literature in individuals affected with CELSR2-related conditions. Advanced modeling of protein sequence and biophysical properties (such as structural, functional, and spatial information, amino acid conservation, physicochemical variation, residue mobility, and thermodynamic stability) performed at Invitae indicates that this missense variant is expected to disrupt CELSR2 protein function. In summary, the available evidence is currently insufficient to determine the role of this variant in disease. Therefore, it has been classified as a Variant of Uncertain Significance.